The following is an entry in ClinVar:

NM_001288705.3(CSF1R):c.1199-6C>T

Gene: CSF1R (colony stimulating factor 1 receptor; minus strand). Cytogenetic location: 5q32.
Variant type: single nucleotide variant.
Coding change: c.1199-6C>T on transcript NM_001288705.3 (MANE Select); 6 bases into the intron before coding-DNA position 1199, C replaced by T.
Molecular consequence: intron variant.
Genome position (GRCh38, 1-based): chr5:150,070,308, G>A on the plus strand (C>T on the coding strand, the complement: CSF1R is on the minus strand). VCF-style: chr5-150070308-G-A. GRCh37 (hg19) VCF-style: chr5-149449871-G-A.
Other names: c.755-6C>T (NM_001375321.1); c.1199-6C>T (NM_005211.4, NM_001375320.1, NM_001349736.2).
Identifiers: ClinVar variation 757731 (VCV000757731.9), dbSNP rs1037469343, ClinGen allele CA129069269.
Genomic context (GRCh38, chr5:150,070,308, plus strand): 5'-AAAAGGGTGCCAGAGCCGTTGATGAATGTCCATATGACGCTTACCTCTGGGGGGTCTGAG[G>A]AAGAAAGGAGGAGGCCCCAAGTCACACTTTCCCCGCCACCTCCCAATCTCCCAGTACCTA-3'

ClinVar aggregate classification (germline): Conflicting classifications of pathogenicity. Review status: criteria provided, conflicting classifications (1 of 4 stars). 3 submissions from 3 submitters: Uncertain significance (1); Likely benign (2). Last evaluated 2025-07-26.

Conditions:
Inborn genetic diseases. Identifiers: MedGen C0950123, MeSH D030342.
CSF1R-related disorder. Also called: CSF1R-related condition. Identifiers: MedGen CN379780, MONDO:0100632.

Allele frequency attached by ClinVar (database versions not stated): gnomAD exomes below 0.00001 and 0.00002; gnomAD 0.00001; TOPMed 0.00002.
gnomAD v4.1: 24 of 1,613,206 alleles (0.0015%); highest among the groups gnomAD compares: Non-Finnish European, 0.0019%; no homozygotes.

Submissions (3):

PreventionGenetics, part of Exact Sciences
Classification: Likely benign for CSF1R-related condition. Last evaluated: 2025-07-26. Review status: criteria provided, single submitter. Criteria: ACMG Guidelines, 2015. Collection method: clinical testing. Allele origin: germline.
Comment: This variant is classified as likely benign based on ACMG/AMP sequence variant interpretation guidelines (Richards et al. 2015 PMID: 25741868, with internal and published modifications).

Labcorp Genetics (formerly Invitae), Labcorp
Classification: Likely benign. Last evaluated: 2022-06-30. Review status: criteria provided, single submitter. Criteria: Invitae Variant Classification Sherloc (09022015). Collection method: clinical testing. Allele origin: germline.

Ambry Genetics
Classification: Uncertain significance for Inborn genetic diseases. Last evaluated: 2021-09-13. Review status: criteria provided, single submitter. Criteria: Ambry Variant Classification Scheme 2023. Collection method: clinical testing. Allele origin: germline.
Comment: The c.1199-6C>T intronic alteration consists of a C to T substitution 6 nucleotides before exon 9 (coding exon 8) of the CSF1R gene. Based on insufficient or conflicting evidence, the clinical significance of this alteration remains unclear.